The following is an entry in ClinVar:

ClinVar aggregate classification (germline): Benign/Likely benign. Review status: criteria provided, multiple submitters, no conflicts (2 of 4 stars). 6 submissions from 6 submitters: Benign (3); Likely benign (2). 1 of the submissions does not count toward it. Last evaluated 2026-09-01.

Conditions:
Inborn genetic diseases. Identifiers: MedGen C0950123, MeSH D030342.
Early-infantile DEE. Also called: Ohtahara syndrome; Early infantile epileptic encephalopathy; Early infantile epileptic encephalopathy with suppression bursts. Identifiers: Orphanet 1934, MedGen C0393706, MONDO:0800491.
KCNQ2-Related Disorders. Also called: KCNQ2-related condition; KCNQ2-related disorder. Identifiers: MedGen CN169299.

Allele frequency attached by ClinVar (database versions not stated): ESP Exome Variant Server 0.00008; gnomAD 0.00009 and 0.00011; TOPMed 0.00009; gnomAD exomes 0.00014 and 0.00024; 1000 Genomes Project 30x 0.00016; 1000 Genomes Project 0.00020; ExAC 0.00030.
gnomAD v4.1: 215 of 1,602,648 alleles (0.013%); highest among the groups gnomAD compares: South Asian, 0.16%; 2 homozygotes.

Submissions (12):

CeGaT Center for Human Genetics Tuebingen
Classification: Likely benign. Last evaluated: 2026-09-01. Review status: criteria provided, single submitter. Criteria: CeGaT Center For Human Genetics Tuebingen Variant Classification Criteria Version 2. Collection method: clinical testing. Allele origin: germline. Affected: yes. Observed: 1 variant allele.
Comment: KCNQ2: BS1

Labcorp Genetics (formerly Invitae), Labcorp
Classification: Benign for Early-infantile DEE. Last evaluated: 2025-12-03. Review status: criteria provided, single submitter. Criteria: Invitae Variant Classification Sherloc (09022015). Collection method: clinical testing. Allele origin: germline.

Blueprint Genetics
Classification: Likely benign. Last evaluated: 2024-08-30. Review status: criteria provided, single submitter. Criteria: ACMG Guidelines, 2015. Collection method: clinical testing. Allele origin: germline.

GeneDx
Classification: Benign. Last evaluated: 2020-08-28. Review status: criteria provided, single submitter. Criteria: GeneDx Variant Classification Process June 2021. Collection method: clinical testing. Allele origin: germline. Affected: yes.
Comment: This variant is associated with the following publications: (PMID: 24623842)

Ambry Genetics
Classification: Benign for Inborn genetic diseases. Last evaluated: 2019-02-28. Review status: criteria provided, single submitter. Criteria: Ambry Variant Classification Scheme 2023. Collection method: clinical testing. Allele origin: germline.

PreventionGenetics, part of Exact Sciences
Classification: Benign for KCNQ2-related condition. Last evaluated: 2023-01-04. Review status: no assertion criteria provided. Collection method: clinical testing. Allele origin: germline. Not counted in ClinVar's aggregate classification.
Comment: This variant is classified as benign based on ACMG/AMP sequence variant interpretation guidelines (Richards et al. 2015 PMID: 25741868, with internal and published modifications).

Channelopathy-Associated Epilepsy Research Center
No classification provided (evidence only). Condition: Complex neurodevelopmental disorder. Review status: no classification provided. Collection method: literature only. Allele origin: not applicable. Functional consequence: Mild decrease in peak current, Normal rate of activation, Severe hyperpolarizing shift of voltage dependence of activation. Not counted in ClinVar's aggregate classification.
ClinVar note: "not provided" was previously submitted as the classification for the variant. However, the classification appeared to be based only on an observation of functional data so it was converted to no classification on 2025-07-30.

Channelopathy-Associated Epilepsy Research Center
No classification provided (evidence only). Review status: no classification provided. Collection method: in vitro. Allele origin: not applicable. Functional consequence: Normal peak current. Not counted in ClinVar's aggregate classification.

Channelopathy-Associated Epilepsy Research Center
No classification provided (evidence only). Review status: no classification provided. Collection method: in vitro. Allele origin: not applicable. Functional consequence: Normal peak current. Not counted in ClinVar's aggregate classification.

Channelopathy-Associated Epilepsy Research Center
No classification provided (evidence only). Review status: no classification provided. Collection method: in vitro. Allele origin: not applicable. Functional consequence: Normal voltage dependence of activation. Not counted in ClinVar's aggregate classification.

Channelopathy-Associated Epilepsy Research Center
No classification provided (evidence only). Review status: no classification provided. Collection method: in vitro. Allele origin: not applicable. Functional consequence: Normal slope of activation. Not counted in ClinVar's aggregate classification.

Channelopathy-Associated Epilepsy Research Center
No classification provided (evidence only). Review status: no classification provided. Collection method: in vitro. Allele origin: not applicable. Functional consequence: Normal rate of activation. Not counted in ClinVar's aggregate classification.

Literature cited by the submitters: PubMed 35104249 (cited by Channelopathy-Associated Epilepsy Research Center).

NM_172107.4(KCNQ2):c.2560C>T (p.Arg854Cys)

Gene: KCNQ2 (potassium voltage-gated channel subfamily Q member 2; minus strand). Cytogenetic location: 20q13.33.
Variant type: single nucleotide variant.
Coding change: c.2560C>T on transcript NM_172107.4 (MANE Select); coding-DNA position 2560, C replaced by T.
Protein change: p.Arg854Cys; replaces arginine 854 with cysteine.
Molecular consequence: missense variant.
Genome position (GRCh38, 1-based): chr20:63,406,703, G>A on the plus strand (C>T on the coding strand, the complement: KCNQ2 is on the minus strand). VCF-style: chr20-63406703-G-A. GRCh37 (hg19) VCF-style: chr20-62038056-G-A.
Other names: c.2476C>T, p.Arg826Cys (NM_004518.6); c.2506C>T, p.Arg836Cys (NM_172106.3); c.2467C>T, p.Arg823Cys (NM_172108.5); c.2560C>T (NM_172107.3); short protein forms R854C, R826C, R836C, R823C.
Identifiers: ClinVar variation 379065 (VCV000379065.23), dbSNP rs373536274, ClinGen allele CA9958057.